The following is an entry in ClinVar:

ClinVar aggregate classification (germline): Uncertain significance (1 of 4 stars; one submission).

Conditions:
Autosomal recessive ataxia, Beauce type. Also called: Spinocerebellar ataxia, autosomal recessive 8; ATAXIA, RECESSIVE, OF BEAUCE; SYNE1 Deficiency; SYNE1-Related Autosomal Recessive Cerebellar Ataxia. Identifiers: Orphanet 88644, MedGen C1853116, MONDO:0012549, OMIM 610743.
Emery-Dreifuss muscular dystrophy 4, autosomal dominant (EDMD4). Also called: EMERY-DREIFUSS MUSCULAR DYSTROPHY 4 WITH VARIABLE FEATURES. Identifiers: Orphanet 261, MedGen C2751807, MONDO:0013071, OMIM 612998.

gnomAD v4.1: 1 of 1,614,180 alleles (0.000062%); highest among the groups gnomAD compares: Non-Finnish European, 0.000085%; no homozygotes.

Submission:

Labcorp Genetics (formerly Invitae), Labcorp
Classification: Uncertain significance for Emery-Dreifuss muscular dystrophy 4, autosomal dominant; Autosomal recessive ataxia, Beauce type. Last evaluated: 2022-02-24. Review status: criteria provided, single submitter. Criteria: Invitae Variant Classification Sherloc (09022015). Collection method: clinical testing. Allele origin: germline.
Comment: This variant is not present in population databases (gnomAD no frequency). This sequence change replaces glutamine, which is neutral and polar, with proline, which is neutral and non-polar, at codon 2697 of the SYNE1 protein (p.Gln2697Pro). This variant has not been reported in the literature in individuals affected with SYNE1-related conditions. In summary, the available evidence is currently insufficient to determine the role of this variant in disease. Therefore, it has been classified as a Variant of Uncertain Significance. Algorithms developed to predict the effect of missense changes on protein structure and function (SIFT, PolyPhen-2, Align-GVGD) all suggest that this variant is likely to be disruptive. ClinVar contains an entry for this variant (Variation ID: 641110).

NM_182961.4(SYNE1):c.8069A>C (p.Gln2690Pro)

Gene: SYNE1 (spectrin repeat containing nuclear envelope protein 1; minus strand). Cytogenetic location: 6q25.2.
Variant type: single nucleotide variant.
Coding change: c.8069A>C on transcript NM_182961.4 (MANE Select); coding-DNA position 8069, A replaced by C.
Protein change: p.Gln2690Pro; replaces glutamine 2690 with proline.
Molecular consequence: missense variant.
Genome position (GRCh38, 1-based): chr6:152,390,388, T>G on the plus strand (A>C on the coding strand, the complement: SYNE1 is on the minus strand). VCF-style: chr6-152390388-T-G. GRCh37 (hg19) VCF-style: chr6-152711523-T-G.
Other names: c.8090A>C, p.Gln2697Pro (NM_033071.5); short protein forms Q2697P, Q2690P.
Identifiers: ClinVar variation 641110 (VCV000641110.8), dbSNP rs1591716331, ClinGen allele CA366106005.